The following is an entry in ClinVar:

NM_002444.3(MSN):c.96+7C>T

Gene: MSN (moesin; plus strand). Cytogenetic location: Xq12.
Variant type: single nucleotide variant.
Coding change: c.96+7C>T on transcript NM_002444.3 (MANE Select); 7 bases into the intron after coding-DNA position 96, C replaced by T.
Molecular consequence: intron variant.
Genome position (GRCh38, 1-based): chrX:65,716,908, C>T. VCF-style: chrX-65716908-C-T. GRCh37 (hg19) VCF-style: chrX-64936770-C-T.
Identifiers: ClinVar variation 738604 (VCV000738604.34), dbSNP rs372696816, ClinGen allele CA10434449.

ClinVar aggregate classification (germline): Benign/Likely benign. Review status: criteria provided, multiple submitters, no conflicts (2 of 4 stars). 4 submissions from 4 submitters: Benign (1); Likely benign (2). 1 of the submissions does not count toward it. Last evaluated 2025-10-29.

Conditions:
MSN-related disorder. Also called: MSN-related condition.

Allele frequency attached by ClinVar (database versions not stated): gnomAD exomes 0.00027 and 0.00056; ExAC 0.00030; ESP Exome Variant Server 0.00038; TOPMed 0.00039; gnomAD 0.00041 and 0.00042.
gnomAD v4.1: 645 of 1,201,022 alleles (0.054%); highest among the groups gnomAD compares: Non-Finnish European, 0.07%; no homozygotes.

Submissions (4):

Labcorp Genetics (formerly Invitae), Labcorp
Classification: Benign. Last evaluated: 2025-10-29. Review status: criteria provided, single submitter. Criteria: Invitae Variant Classification Sherloc (09022015). Collection method: clinical testing. Allele origin: germline.

Blueprint Genetics
Classification: Likely benign. Last evaluated: 2023-12-21. Review status: criteria provided, single submitter. Criteria: ACMG Guidelines, 2015. Collection method: clinical testing. Allele origin: germline.

CeGaT Center for Human Genetics Tuebingen
Classification: Likely benign. Last evaluated: 2022-06-01. Review status: criteria provided, single submitter. Criteria: CeGaT Center For Human Genetics Tuebingen Variant Classification Criteria Version 2. Collection method: clinical testing. Allele origin: germline. Affected: yes. Observed: 1 variant allele.
Comment: MSN: BP4, BS2

PreventionGenetics, part of Exact Sciences
Classification: Likely benign for MSN-related condition. Last evaluated: 2023-10-12. Review status: no assertion criteria provided. Collection method: clinical testing. Allele origin: germline. Not counted in ClinVar's aggregate classification.
Comment: This variant is classified as likely benign based on ACMG/AMP sequence variant interpretation guidelines (Richards et al. 2015 PMID: 25741868, with internal and published modifications).